The following is an entry in ClinVar:

NM_020975.6(RET):c.1064-9T>G

Gene: RET (ret proto-oncogene; plus strand). Cytogenetic location: 10q11.21.
Variant type: single nucleotide variant.
Coding change: c.1064-9T>G on transcript NM_020975.6 (MANE Select); 9 bases into the intron before coding-DNA position 1064, T replaced by G.
Molecular consequence: intron variant.
Genome position (GRCh38, 1-based): chr10:43,109,022, T>G. VCF-style: chr10-43109022-T-G. GRCh37 (hg19) VCF-style: chr10-43604470-T-G.
Other names: c.1064-9T>G (NM_020630.7, NM_001406743.1, NM_001406744.1 and 4 more transcripts); c.868-2185T>G (NM_001406772.1, NM_001406769.1); c.626-9T>G (NM_001406773.1, NM_001406771.1); c.626-3077T>G (NM_001406782.1, NM_001406780.1, NM_001406779.1 and 3 more transcripts); c.935-9T>G (NM_001406764.1, NM_001406762.1, NM_001406761.1 and 1 more transcripts); c.739-2185T>G (NM_001406774.1); c.497-3077T>G (NM_001406786.1, NM_001406783.1); c.776-9T>G (NM_001406770.1, NM_001406766.1, NM_001406767.1); and 5 more.
Identifiers: ClinVar variation 2418221 (VCV002418221.6), dbSNP rs1837849183, ClinGen allele CA927696360.

ClinVar aggregate classification (germline): Conflicting classifications of pathogenicity. Review status: criteria provided, conflicting classifications (1 of 4 stars). 2 submissions from 2 submitters: Uncertain significance (1); Likely benign (1). Last evaluated 2024-03-21.

Conditions:
Multiple endocrine neoplasia, type 2 (MEN2). Identifiers: Orphanet 653, MedGen C4048306, MONDO:0019003. Disease mechanism: gain of function.

Allele frequency attached by ClinVar (database versions not stated): gnomAD exomes below 0.00001; gnomAD 0.00001.
gnomAD v4.1: 2 of 1,611,306 alleles (0.00012%); highest among the groups gnomAD compares: African/African-American, 0.0027%; no homozygotes.

Submissions (2):

Labcorp Genetics (formerly Invitae), Labcorp
Classification: Likely benign for Multiple endocrine neoplasia, type 2. Last evaluated: 2024-03-21. Review status: criteria provided, single submitter. Criteria: Invitae Variant Classification Sherloc (09022015). Collection method: clinical testing. Allele origin: germline.

All of Us Research Program, National Institutes of Health
Classification: Uncertain significance for Multiple endocrine neoplasia, type 2. Last evaluated: 2023-08-23. Review status: criteria provided, single submitter. Criteria: ACMG Guidelines, 2015. Collection method: clinical testing. Allele origin: germline. Inheritance: Autosomal dominant inheritance. Observed: 1 variant allele, 1 heterozygote.
Comment: This variant causes a T to G nucleotide substitution at the -9 position of intron 5 of the RET gene. Splice site prediction tools are inconclusive regarding the impact of this variant on RNA splicing. To our knowledge, RNA studies have not been reported for this variant. This variant has not been reported in individuals affected with RET-related disorders in the literature. This variant has not been identified in the general population by the Genome Aggregation Database (gnomAD). The available evidence is insufficient to determine the role of this variant in disease conclusively. Therefore, this variant is classified as a Variant of Uncertain Significance.

This study involves interpretation of variants in research participants for the purpose of population health screening. Participant phenotype was not available at the time of variant classification. Additional details can be found in publication PMID: 35346344, PMCID: PMC8962531